The following is an entry in ClinVar:

ClinVar aggregate classification (germline): Uncertain significance (1 of 4 stars; one submission).

Conditions:
Intellectual disability-severe speech delay-mild dysmorphism syndrome (IDDLA). Also called: FOXP1 Syndrome; Mental retardation with language impairment and autistic features; Intellectual developmental disorder with language impairment AND with or without autistic features. Identifiers: Orphanet 391372, MedGen C4013764, MONDO:0013352, OMIM 613670.

Submission:

Genetics Department, Catlab
Classification: Uncertain significance for Intellectual disability-severe speech delay-mild dysmorphism syndrome. Last evaluated: 2025-12-18. Review status: criteria provided, single submitter. Criteria: ACMG Guidelines, 2015. Collection method: clinical testing. Allele origin: germline. Affected: yes.
Comment: The c.1769T>A missense variant changes a methionine at position 590 of the protein for a lysine. The variant is absent from the gnomAD v4.1 (PM2_moderate). With all the available evidence, the variant is classified as of uncertain significance.

NM_001349338.3(FOXP1):c.1769T>A (p.Met590Lys)

Gene: FOXP1 (forkhead box P1; minus strand). Cytogenetic location: 3p13.
Variant type: single nucleotide variant.
Coding change: c.1769T>A on transcript NM_001349338.3 (MANE Select); coding-DNA position 1769, T replaced by A.
Protein change: p.Met590Lys; replaces methionine 590 with lysine.
Molecular consequence: missense variant. On other transcripts: non-coding transcript variant (2).
Genome position (GRCh38, 1-based): chr3:70,966,010, A>T on the plus strand (T>A on the coding strand, the complement: FOXP1 is on the minus strand). VCF-style: chr3-70966010-A-T. GRCh37 (hg19) VCF-style: chr3-71015161-A-T.
Other names: c.1769T>A, p.Met590Lys (NM_001349340.3, NM_032682.6, NM_001244814.3 and 1 more transcripts); c.1766T>A, p.Met589Lys (NM_001349341.3, NM_001244808.3); c.1469T>A, p.Met490Lys (NM_001349342.3, NM_001244813.3, NM_001244815.2); c.1466T>A, p.Met489Lys (NM_001349343.3, NM_001349344.3, NM_001370548.1 and 1 more transcripts); c.1817T>A, p.Met606Lys (NM_001244810.2); c.1541T>A, p.Met514Lys (NM_001244812.3); short protein forms M489K, M490K, M514K, M589K, M590K, M606K.
Identifiers: ClinVar variation 4538479 (VCV004538479.1).
Genomic context (GRCh38, chr3:70,966,010, plus strand): 5'-ATTGCCCCGTTCAGCTCTTCCCGTATTGCGCTGGCTAAGTTGCCCAGAGTGGGATTTCCC[A>T]TGGAAGCGGTAGTGTATAGAGGTATACTATTCTCAGCCATTGAAGCCTGTCATCAACCAA-3'
Protein context (NP_001336267.1, residues 580-600): NSIPLYTTAS[Met590Lys]GNPTLGNLAS